The following is an entry in ClinVar:

NM_152383.5(DIS3L2):c.1351_1352delinsAT (p.Glu451Met)

Gene: DIS3L2 (DIS3 like 3'-5' exoribonuclease 2; plus strand). Cytogenetic location: 2q37.1.
Variant type: Indel.
Coding change: c.1351_1352delinsAT on transcript NM_152383.5 (MANE Select); coding-DNA positions 1351 to 1352, GA replaced by AT.
Protein change: p.Glu451Met; replaces glutamic acid 451 with methionine.
Molecular consequence: missense variant. On other transcripts: non-coding transcript variant (2).
Genome position (GRCh38, 1-based): chr2:232,249,272-232,249,273, GA replaced by AT. VCF-style: chr2-232249272-GA-AT. GRCh37 (hg19) VCF-style: chr2-233113982-GA-AT.
Other names: c.1351_1352delinsAT, p.Glu451Met (NM_001257281.2); short protein forms E451M.
Identifiers: ClinVar variation 1414075 (VCV001414075.8), dbSNP rs2106264799, ClinGen allele CA2573135539.

ClinVar aggregate classification (germline): Uncertain significance (1 of 4 stars; one submission).

Conditions:
Perlman syndrome (PRLMNS). Identifiers: Orphanet 2849, MedGen C0796113, MONDO:0009965, OMIM 267000.

Submission:

Labcorp Genetics (formerly Invitae), Labcorp
Classification: Uncertain significance for Perlman syndrome. Last evaluated: 2023-08-10. Review status: criteria provided, single submitter. Criteria: Invitae Variant Classification Sherloc (09022015). Collection method: clinical testing. Allele origin: germline.
Comment: This sequence change replaces glutamic acid, which is acidic and polar, with methionine, which is neutral and non-polar, at codon 451 of the DIS3L2 protein (p.Glu451Met). This variant is present in population databases (no rsID available, gnomAD 0.0004%). In summary, the available evidence is currently insufficient to determine the role of this variant in disease. Therefore, it has been classified as a Variant of Uncertain Significance. An algorithm developed to predict the effect of missense changes on protein structure and function (PolyPhen-2) suggests that this variant is likely to be disruptive. ClinVar contains an entry for this variant (Variation ID: 1414075). This variant has not been reported in the literature in individuals affected with DIS3L2-related conditions.